The following is an entry in ClinVar:

ClinVar aggregate classification (germline): Conflicting classifications of pathogenicity. Review status: criteria provided, conflicting classifications (1 of 4 stars). 2 submissions from 2 submitters: Uncertain significance (1); Likely benign (1). Last evaluated 2025-01-31.

Conditions:
Intellectual developmental disorder, X-linked 90. Also called: DLG3-Related X-Linked Nonsyndromic Mental Retardation; Intellectual disability, X-linked 90. Identifiers: Orphanet 777, MedGen C3275443, MONDO:0010452, OMIM 300850.

Allele frequency attached by ClinVar (database versions not stated): ExAC 0.00001; gnomAD exomes 0.00001; gnomAD 0.00002; TOPMed 0.00003.
gnomAD v4.1: 15 of 1,208,779 alleles (0.0012%); highest among the groups gnomAD compares: East Asian, 0.0059%; no homozygotes.

Submissions (2):

Equipe Genetique des Anomalies du Developpement, Université de Bourgogne
Classification: Likely benign for Intellectual developmental disorder, X-linked 90. Last evaluated: 2025-01-31. Review status: criteria provided, single submitter. Criteria: ACMG Guidelines, 2015. Collection method: curation. Allele origin: germline. Affected: yes.
Comment: Literature review. This variant is a missense which replaces an arginine with a glutamine at position 198. Hemizygous pathogenic variants in DLG3 are reported in an autosomal dominant intellectual disability (OMIM #300850). This variant is present in 6 male individuals in the population database gnomAD (v4.1.0). It has been reported in ClinVar as a variant of uncertain significance and it was reported in the literature (PMID:38249294). In silico prediction scores are in favor of the absence of effect. Based on these evidences, the variant was classified as likely benign.

Revvity Omics, Revvity
Classification: Uncertain significance for Intellectual developmental disorder, X-linked 90. Last evaluated: 2020-08-10. Review status: criteria provided, single submitter. Criteria: ACMG Guidelines, 2015. Collection method: clinical testing. Allele origin: germline.

Literature cited by the submitters: PubMed 38249294 (cited by Equipe Genetique des Anomalies du Developpement, Université de Bourgogne).

NM_021120.4(DLG3):c.593G>A (p.Arg198Gln)

Gene: DLG3 (discs large MAGUK scaffold protein 3; plus strand). Cytogenetic location: Xq13.1.
Variant type: single nucleotide variant.
Coding change: c.593G>A on transcript NM_021120.4 (MANE Select); coding-DNA position 593, G replaced by A.
Protein change: p.Arg198Gln; replaces arginine 198 with glutamine.
Molecular consequence: missense variant.
Genome position (GRCh38, 1-based): chrX:70,449,749, G>A. VCF-style: chrX-70449749-G-A. GRCh37 (hg19) VCF-style: chrX-69669599-G-A.
Other names: short protein forms R198Q.
Identifiers: ClinVar variation 2440804 (VCV002440804.4), dbSNP rs748814438, ClinGen allele CA10441994.